The following is an entry in ClinVar:

ClinVar aggregate classification (germline): Conflicting classifications of pathogenicity. Review status: criteria provided, conflicting classifications (1 of 4 stars). 4 submissions from 4 submitters: Uncertain significance (1); Likely benign (3). Last evaluated 2026-01-26.

Conditions:
Hereditary cancer-predisposing syndrome. Also called: Neoplastic Syndromes, Hereditary; Tumor predisposition; Hereditary Cancer Syndrome; Hereditary neoplastic syndrome. Identifiers: Orphanet 140162, MedGen C0027672, MeSH D009386, MONDO:0015356.
BAP1-related tumor predisposition syndrome (TPDS1). Also called: BAP1 tumor predisposition syndrome; COMMON Syndrome; TUMOR PREDISPOSITION SYNDROME 1; Tumor susceptibility linked to germline BAP1 mutations. Identifiers: Orphanet 289539, MedGen C3280492, MONDO:0013692, OMIM 614327.

Allele frequency attached by ClinVar (database versions not stated): TOPMed below 0.00001; gnomAD 0.00001; gnomAD exomes 0.00001; 1000 Genomes Project 30x 0.00016; 1000 Genomes Project 0.00020.
gnomAD v4.1: 22 of 1,608,536 alleles (0.0014%); highest among the groups gnomAD compares: East Asian, 0.0022%; no homozygotes.

Submissions (4):

Labcorp Genetics (formerly Invitae), Labcorp
Classification: Likely benign for BAP1-related tumor predisposition syndrome. Last evaluated: 2026-01-26. Review status: criteria provided, single submitter. Criteria: Invitae Variant Classification Sherloc (09022015). Collection method: clinical testing. Allele origin: germline.

Color Diagnostics, LLC DBA Color Health
Classification: Likely benign for Hereditary cancer-predisposing syndrome. Last evaluated: 2025-07-08. Review status: criteria provided, single submitter. Criteria: ACMG Guidelines, 2015. Collection method: clinical testing. Allele origin: germline.

Ambry Genetics
Classification: Likely benign for Hereditary cancer-predisposing syndrome. Last evaluated: 2022-04-01. Review status: criteria provided, single submitter. Criteria: Ambry Variant Classification Scheme 2023. Collection method: clinical testing. Allele origin: germline.

Sema4
Classification: Uncertain significance for Hereditary cancer-predisposing syndrome. Last evaluated: 2021-11-25. Review status: criteria provided, single submitter. Criteria: Sema4 Curation Guidelines. Collection method: curation. Allele origin: germline.
Comment: The BAP1 c.123-3C>T variant has not been reported in the literature to our knowledge. It was observed in 2/237428 chromosomes in the large and broad cohorts of the Genome Aggregation Database (PMID: 32461654). This variant has been reported in ClinVar (Variation ID 472664). Algorithms developed to predict the effect of sequence changes on RNA splicing suggest that this variant is not likely to affect RNA splicing, though these predictions have not been confirmed by transcriptional studies. The evidence is insufficient to meet ACMG/AMP criteria for classifying the variant as benign or pathogenic. Thus, the clinical significance of this variant is currently uncertain.

NM_004656.4(BAP1):c.123-3C>T

Gene: BAP1 (BRCA1 associated deubiquitinase 1; minus strand). Cytogenetic location: 3p21.1.
Variant type: single nucleotide variant.
Coding change: c.123-3C>T on transcript NM_004656.4 (MANE Select); 3 bases into the intron before coding-DNA position 123, C replaced by T.
Molecular consequence: intron variant.
Genome position (GRCh38, 1-based): chr3:52,408,609, G>A on the plus strand (C>T on the coding strand, the complement: BAP1 is on the minus strand). VCF-style: chr3-52408609-G-A. GRCh37 (hg19) VCF-style: chr3-52442625-G-A.
Identifiers: ClinVar variation 472664 (VCV000472664.17), dbSNP rs543305514, ClinGen allele CA74744382.
Genomic context (GRCh38, chr3:52,408,609, plus strand): 5'-TCGCCGGGACCGGCGCTCTTCGATCCATTTGAACAGGAAGATAAATCCATATACAGGGCT[G>A]GGGGAAGTAAGGGGCAGAGCCAGATCAGCCAAAGGGGAGAAGACAATCAGCATTCCCTTC-3'